The following is an entry in ClinVar:

NM_000748.3(CHRNB2):c.1379G>A (p.Arg460His)

Gene: CHRNB2 (cholinergic receptor nicotinic beta 2 subunit; plus strand). Cytogenetic location: 1q21.3.
Variant type: single nucleotide variant.
Coding change: c.1379G>A on transcript NM_000748.3 (MANE Select); coding-DNA position 1379, G replaced by A.
Protein change: p.Arg460His; replaces arginine 460 with histidine.
Molecular consequence: missense variant.
Genome position (GRCh38, 1-based): chr1:154,575,802, G>A. VCF-style: chr1-154575802-G-A. GRCh37 (hg19) VCF-style: chr1-154548278-G-A.
Other names: short protein forms R460H.
Identifiers: ClinVar variation 477012 (VCV000477012.12), dbSNP rs1297214421, ClinGen allele CA342632786.

ClinVar aggregate classification (germline): Uncertain significance. Review status: criteria provided, multiple submitters, no conflicts (2 of 4 stars). 2 submissions from 2 submitters: Uncertain significance (2). Last evaluated 2024-02-26.

Conditions:
Familial sleep-related hypermotor epilepsy. Also called: Autosomal Dominant Sleep-Related Hypermotor (Hyperkinetic) Epilepsy. Identifiers: Orphanet 98784, MedGen C3696898, MONDO:0000030.

Allele frequency attached by ClinVar (database versions not stated): gnomAD exomes below 0.00001; TOPMed below 0.00001.

Submissions (2):

Labcorp Genetics (formerly Invitae), Labcorp
Classification: Uncertain significance. Last evaluated: 2024-02-26. Review status: criteria provided, single submitter. Criteria: Invitae Variant Classification Sherloc (09022015). Collection method: clinical testing. Allele origin: germline.
Comment: This sequence change replaces arginine, which is basic and polar, with histidine, which is basic and polar, at codon 460 of the CHRNB2 protein (p.Arg460His). This variant is present in population databases (no rsID available, gnomAD 0.003%). This variant has not been reported in the literature in individuals affected with CHRNB2-related conditions. ClinVar contains an entry for this variant (Variation ID: 477012). Advanced modeling of protein sequence and biophysical properties (such as structural, functional, and spatial information, amino acid conservation, physicochemical variation, residue mobility, and thermodynamic stability) performed at Invitae indicates that this missense variant is expected to disrupt CHRNB2 protein function with a positive predictive value of 80%. In summary, the available evidence is currently insufficient to determine the role of this variant in disease. Therefore, it has been classified as a Variant of Uncertain Significance.

GeneDx
Classification: Uncertain significance. Last evaluated: 2022-08-22. Review status: criteria provided, single submitter. Criteria: GeneDx Variant Classification Process June 2021. Collection method: clinical testing. Allele origin: germline. Affected: yes.
Comment: Not observed at significant frequency in large population cohorts (gnomAD); In silico analysis supports that this missense variant has a deleterious effect on protein structure/function; Has not been previously published as pathogenic or benign to our knowledge